The following is an entry in ClinVar:

ClinVar aggregate classification (germline): Uncertain significance (1 of 4 stars; one submission).

Conditions:
Fanconi anemia (FA). Also called: Fanconi's anemia. Identifiers: Orphanet 84, MedGen C0015625, MeSH D005199, MONDO:0019391.

Submission:

Labcorp Genetics (formerly Invitae), Labcorp
Classification: Uncertain significance for Fanconi anemia. Last evaluated: 2022-07-19. Review status: criteria provided, single submitter. Criteria: Invitae Variant Classification Sherloc (09022015). Collection method: clinical testing. Allele origin: germline.
Comment: In summary, the available evidence is currently insufficient to determine the role of this variant in disease. Therefore, it has been classified as a Variant of Uncertain Significance. Algorithms developed to predict the effect of missense changes on protein structure and function are either unavailable or do not agree on the potential impact of this missense change (SIFT: "Tolerated"; PolyPhen-2: "Probably Damaging"; Align-GVGD: "Class C0"). ClinVar contains an entry for this variant (Variation ID: 1053707). This variant has not been reported in the literature in individuals affected with FANCD2-related conditions. This variant is not present in population databases (gnomAD no frequency). This sequence change replaces isoleucine, which is neutral and non-polar, with leucine, which is neutral and non-polar, at codon 695 of the FANCD2 protein (p.Ile695Leu).

NM_001018115.3(FANCD2):c.2083A>C (p.Ile695Leu)

Genes: FANCD2 (FA complementation group D2; plus strand), LOC107303338 (3p25 FANCD2 Alu-mediated recombination region; plus strand). Cytogenetic location: 3p25.3.
Variant type: single nucleotide variant.
Coding change: c.2083A>C on transcript NM_001018115.3 (MANE Select); coding-DNA position 2083, A replaced by C.
Protein change: p.Ile695Leu; replaces isoleucine 695 with leucine.
Molecular consequence: missense variant.
Genome position (GRCh38, 1-based): chr3:10,064,790, A>C. VCF-style: chr3-10064790-A-C. GRCh37 (hg19) VCF-style: chr3-10106474-A-C.
Other names: c.2083A>C, p.Ile695Leu (NM_001319984.2, NM_001374254.1, NM_033084.6); c.1972A>C, p.Ile658Leu (NM_001374253.1); short protein forms I658L, I695L.
Identifiers: ClinVar variation 1053707 (VCV001053707.10), dbSNP rs2125035169, ClinGen allele CA351733208.